The following is an entry in ClinVar:

NM_005422.4(TECTA):c.2644G>A (p.Glu882Lys)

Genes: TBCEL-TECTA (TBCEL-TECTA readthrough; plus strand), TECTA (tectorin alpha; plus strand), LOC126861365 (P300/CBP strongly-dependent group 1 enhancer GRCh37_chr11:121000154-121001353; plus strand). Cytogenetic location: 11q23.3.
Variant type: single nucleotide variant.
Coding change: c.2644G>A on transcript NM_005422.4 (MANE Select); coding-DNA position 2644, G replaced by A.
Protein change: p.Glu882Lys; replaces glutamic acid 882 with lysine.
Molecular consequence: missense variant.
Genome position (GRCh38, 1-based): chr11:121,129,914, G>A. VCF-style: chr11-121129914-G-A. GRCh37 (hg19) VCF-style: chr11-121000623-G-A.
Other names: c.3601G>A, p.Glu1201Lys (NM_001378761.1); short protein forms E882K, E1201K.
Identifiers: ClinVar variation 930247 (VCV000930247.10), dbSNP rs778979756, ClinGen allele CA6327034.

ClinVar aggregate classification (germline): Uncertain significance. Review status: criteria provided, multiple submitters, no conflicts (2 of 4 stars). 4 submissions from 4 submitters: Uncertain significance (4). Last evaluated 2025-10-10.

Conditions:
Autosomal dominant nonsyndromic hearing loss 12. Also called: DEAFNESS, AUTOSOMAL DOMINANT 8. Identifiers: Orphanet 90635, MedGen C1832187, MONDO:0011102, OMIM 601543.
TECTA-related disorder. Also called: TECTA-related condition.

Allele frequency attached by ClinVar (database versions not stated): ExAC 0.00001; gnomAD exomes 0.00001; TOPMed 0.00002.
gnomAD v4.1: 35 of 1,613,652 alleles (0.0022%); highest among the groups gnomAD compares: East Asian, 0.0045%; no homozygotes.

Submissions (4):

PreventionGenetics, part of Exact Sciences
Classification: Uncertain significance for TECTA-related condition. Last evaluated: 2025-10-10. Review status: criteria provided, single submitter. Criteria: ACMG Guidelines, 2015. Collection method: clinical testing. Allele origin: germline.
Comment: The TECTA c.2644G>A variant is predicted to result in the amino acid substitution p.Glu882Lys. To our knowledge, this variant has not been reported in the literature. This variant is reported in 0.00088% of alleles in individuals of European (Non-Finnish) descent in gnomAD. At this time, the clinical significance of this variant is uncertain due to the absence of conclusive functional and genetic evidence.

GeneDx
Classification: Uncertain significance. Last evaluated: 2024-12-31. Review status: criteria provided, single submitter. Criteria: GeneDx Variant Classification Process June 2021. Collection method: clinical testing. Allele origin: germline. Affected: yes.
Comment: Not observed at significant frequency in large population cohorts (gnomAD); In silico analysis indicates that this missense variant does not alter protein structure/function; Has not been previously published as pathogenic or benign to our knowledge; This variant is associated with the following publications: (PMID: 21520338, 31554319, 9590290)

Labcorp Genetics (formerly Invitae), Labcorp
Classification: Uncertain significance. Last evaluated: 2024-02-24. Review status: criteria provided, single submitter. Criteria: Invitae Variant Classification Sherloc (09022015). Collection method: clinical testing. Allele origin: germline.
Comment: This sequence change replaces glutamic acid, which is acidic and polar, with lysine, which is basic and polar, at codon 882 of the TECTA protein (p.Glu882Lys). This variant is present in population databases (rs778979756, gnomAD 0.0009%). This variant has not been reported in the literature in individuals affected with TECTA-related conditions. ClinVar contains an entry for this variant (Variation ID: 930247). Advanced modeling of protein sequence and biophysical properties (such as structural, functional, and spatial information, amino acid conservation, physicochemical variation, residue mobility, and thermodynamic stability) performed at Invitae indicates that this missense variant is not expected to disrupt TECTA protein function with a negative predictive value of 95%. In summary, the available evidence is currently insufficient to determine the role of this variant in disease. Therefore, it has been classified as a Variant of Uncertain Significance.

Centre for Mendelian Genomics, University Medical Centre Ljubljana
Classification: Uncertain significance for Autosomal dominant nonsyndromic hearing loss 12. Last evaluated: 2020-02-19. Review status: criteria provided, single submitter. Criteria: ACMG Guidelines, 2015. Collection method: clinical testing. Allele origin: unknown. Affected: yes.
Comment: This variant was classified as: Uncertain significance. The available evidence on this variant's pathogenicity is insufficient or conflicting. The following ACMG criteria were applied in classifying this variant: No criteria apply.